The following is an entry in ClinVar:

ClinVar aggregate classification (germline): Uncertain significance. Review status: criteria provided, multiple submitters, no conflicts (2 of 4 stars). 2 submissions from 2 submitters: Uncertain significance (2). Last evaluated 2023-06-16.

Allele frequency attached by ClinVar (database versions not stated): gnomAD 0.00003; TOPMed 0.00003.
gnomAD v4.1: 7 of 1,537,240 alleles (0.00046%); highest among the groups gnomAD compares: African/African-American, 0.0082%; no homozygotes.

Submissions (2):

Labcorp Genetics (formerly Invitae), Labcorp
Classification: Uncertain significance. Last evaluated: 2023-06-16. Review status: criteria provided, single submitter. Criteria: Invitae Variant Classification Sherloc (09022015). Collection method: clinical testing. Allele origin: germline.
Comment: This variant is present in population databases (no rsID available, gnomAD 0.01%). This sequence change replaces arginine, which is basic and polar, with tryptophan, which is neutral and slightly polar, at codon 70 of the UNC119 protein (p.Arg70Trp). This variant has not been reported in the literature in individuals affected with UNC119-related conditions. In summary, the available evidence is currently insufficient to determine the role of this variant in disease. Therefore, it has been classified as a Variant of Uncertain Significance. An algorithm developed to predict the effect of missense changes on protein structure and function (PolyPhen-2) suggests that this variant is likely to be tolerated. ClinVar contains an entry for this variant (Variation ID: 2320984).

Ambry Genetics
Classification: Uncertain significance. Last evaluated: 2022-10-27. Review status: criteria provided, single submitter. Criteria: Ambry Variant Classification Scheme 2023. Collection method: clinical testing. Allele origin: germline.

NM_005148.4(UNC119):c.208C>T (p.Arg70Trp)

Gene: UNC119 (unc-119 lipid binding chaperone; minus strand). Cytogenetic location: 17q11.2.
Variant type: single nucleotide variant.
Coding change: c.208C>T on transcript NM_005148.4 (MANE Select); coding-DNA position 208, C replaced by T.
Protein change: p.Arg70Trp; replaces arginine 70 with tryptophan.
Molecular consequence: missense variant. On other transcripts: 5 prime UTR variant (1).
Genome position (GRCh38, 1-based): chr17:28,552,350, G>A on the plus strand (C>T on the coding strand, the complement: UNC119 is on the minus strand). VCF-style: chr17-28552350-G-A. GRCh37 (hg19) VCF-style: chr17-26879368-G-A.
Other names: c.-106C>T (NM_001330166.2); c.208C>T, p.Arg70Trp (NM_054035.2); short protein forms R70W.
Identifiers: ClinVar variation 2320984 (VCV002320984.5), dbSNP rs1253700255, ClinGen allele CA398335473.